The following is an entry in ClinVar:

NC_012920.1(MT-TH):m.12178C>T

Gene: MT-TH (mitochondrially encoded tRNA histidine; plus strand).
Variant type: single nucleotide variant.
Genome position: chrM-12178-C-T.
Identifiers: ClinVar variation 690146 (VCV000690146.1), dbSNP rs1603223596, ClinGen allele CA913169600.

ClinVar aggregate classification (germline): Benign (1 of 4 stars; one submission).

Conditions:
MELAS syndrome (MELAS). Also called: Juvenile myopathy, encephalopathy, lactic acidosis, stroke. Identifiers: Orphanet 550, MedGen C0162671, MONDO:0010789, OMIM 540000.

Submission:

Wong Mito Lab, Molecular and Human Genetics, Baylor College of Medicine
Classification: Benign for MELAS syndrome. Last evaluated: 2019-07-12. Review status: criteria provided, single submitter. Criteria: Modified ACMG Guidelines (Unpublished). Collection method: clinical testing. Allele origin: germline.
Comment: The NC_012920.1:m.12178C>T variant in MT-TH gene is interpreted to be a Benign variant based on the modified ACMG guidelines (unpublished). This variant meets the following evidence codes reported in the guidelines: BS1, BS2, BP4

Literature cited by the submitters: PubMed 31965079.